The following is an entry in ClinVar:

NM_014297.5(ETHE1):c.505+5C>T

Gene: ETHE1 (ETHE1 persulfide dioxygenase; minus strand). Cytogenetic location: 19q13.31.
Variant type: single nucleotide variant.
Coding change: c.505+5C>T on transcript NM_014297.5 (MANE Select); 5 bases into the intron after coding-DNA position 505, C replaced by T.
Molecular consequence: intron variant.
Genome position (GRCh38, 1-based): chr19:43,511,432, G>A on the plus strand (C>T on the coding strand, the complement: ETHE1 is on the minus strand). VCF-style: chr19-43511432-G-A. GRCh37 (hg19) VCF-style: chr19-44015584-G-A.
Other names: c.211+5C>T (NM_001320869.2); c.136+5C>T (NM_001320868.2); c.472+5C>T (NM_001320867.2).
Identifiers: ClinVar variation 894614 (VCV000894614.5), dbSNP rs748284674, ClinGen allele CA9487847.

ClinVar aggregate classification (germline): Uncertain significance. Review status: criteria provided, multiple submitters, no conflicts (2 of 4 stars). 2 submissions from 2 submitters: Uncertain significance (2). Last evaluated 2021-08-30.

Conditions:
Ethylmalonic encephalopathy (EE). Also called: EPEMA syndrome; Encephalopathy, petechiae, and ethylmalonic aciduria; Syndrome of encephalopathy, petechiae, and ethylmalonic aciduria. Identifiers: Orphanet 51188, MedGen C1865349, MONDO:0011229, OMIM 602473. Disease mechanism: loss of function.

Allele frequency attached by ClinVar (database versions not stated): ExAC 0.00001; gnomAD exomes 0.00001 and 0.00002; TOPMed 0.00001.
gnomAD v4.1: 9 of 1,614,158 alleles (0.00056%); highest among the groups gnomAD compares: Non-Finnish European, 0.00076%; no homozygotes.

Submissions (2):

Labcorp Genetics (formerly Invitae), Labcorp
Classification: Uncertain significance for Ethylmalonic encephalopathy. Last evaluated: 2021-08-30. Review status: criteria provided, single submitter. Criteria: Invitae Variant Classification Sherloc (09022015). Collection method: clinical testing. Allele origin: germline.
Comment: This sequence change falls in intron 4 of the ETHE1 gene. It does not directly change the encoded amino acid sequence of the ETHE1 protein. It affects a nucleotide within the consensus splice site of the intron. This variant is present in population databases (rs748284674, ExAC 0.001%). This variant has not been reported in the literature in individuals affected with ETHE1-related conditions. Variants that disrupt the consensus splice site are a relatively common cause of aberrant splicing (PMID: 17576681, 9536098). Algorithms developed to predict the effect of sequence changes on RNA splicing suggest that this variant may disrupt the consensus splice site. In summary, the available evidence is currently insufficient to determine the role of this variant in disease. Therefore, it has been classified as a Variant of Uncertain Significance.

Illumina Laboratory Services, Illumina
Classification: Uncertain significance for Ethylmalonic encephalopathy. Last evaluated: 2018-01-13. Review status: criteria provided, single submitter. Criteria: ICSL Variant Classification Criteria 13 December 2019. Collection method: clinical testing. Allele origin: germline.

Literature cited by the submitters: PubMed 17576681 (cited by Labcorp Genetics (formerly Invitae), Labcorp); PubMed 9536098 (cited by Labcorp Genetics (formerly Invitae), Labcorp).